The following is an entry in ClinVar:

ClinVar aggregate classification (germline): Benign (1 of 4 stars; one submission).

Allele frequency attached by ClinVar (database versions not stated): gnomAD 0.11208 and 0.11901; TOPMed 0.12943; 1000 Genomes Project 30x 0.22345; 1000 Genomes Project 0.22624.
gnomAD v4.1: 17,996 of 152,224 alleles (12%); highest among the groups gnomAD compares: East Asian, 52%; 1,953 homozygotes.

Submission:

GeneDx
Classification: Benign. Last evaluated: 2018-06-14. Review status: criteria provided, single submitter. Criteria: GeneDx Variant Classification (06012015). Collection method: clinical testing. Allele origin: germline. Affected: yes.
Comment: This variant is considered likely benign or benign based on one or more of the following criteria: it is a conservative change, it occurs at a poorly conserved position in the protein, it is predicted to be benign by multiple in silico algorithms, and/or has population frequency not consistent with disease.

NM_018109.4(MTPAP):c.780+211A>G

Gene: MTPAP (mitochondrial poly(A) polymerase; minus strand). Cytogenetic location: 10p11.23.
Variant type: single nucleotide variant.
Coding change: c.780+211A>G on transcript NM_018109.4 (MANE Select); 211 bases into the intron after coding-DNA position 780, A replaced by G.
Molecular consequence: intron variant.
Genome position (GRCh38, 1-based): chr10:30,336,592, T>C on the plus strand (A>G on the coding strand, the complement: MTPAP is on the minus strand). VCF-style: chr10-30336592-T-C. GRCh37 (hg19) VCF-style: chr10-30625521-T-C.
Identifiers: ClinVar variation 671665 (VCV000671665.1), dbSNP rs913644, ClinGen allele CA205281401.